The following is an entry in ClinVar:

NM_005198.5(CHKB):c.641A>G (p.Glu214Gly)

Genes: CHKB-CPT1B (CHKB-CPT1B readthrough (NMD candidate); minus strand), CHKB (choline kinase beta; minus strand). Cytogenetic location: 22q13.33.
Variant type: single nucleotide variant.
Coding change: c.641A>G on transcript NM_005198.5 (MANE Select); coding-DNA position 641, A replaced by G.
Protein change: p.Glu214Gly; replaces glutamic acid 214 with glycine.
Molecular consequence: missense variant. On other transcripts: non-coding transcript variant (1).
Genome position (GRCh38, 1-based): chr22:50,580,601, T>C on the plus strand (A>G on the coding strand, the complement: CHKB is on the minus strand). VCF-style: chr22-50580601-T-C. GRCh37 (hg19) VCF-style: chr22-51019030-T-C.
Other names: short protein forms E214G.
Identifiers: ClinVar variation 1043457 (VCV001043457.8), dbSNP rs997259215, ClinGen allele CA325537583.

ClinVar aggregate classification (germline): Uncertain significance (1 of 4 stars; one submission).

Conditions:
Megaconial type congenital muscular dystrophy (MDCMC). Also called: MUSCULAR DYSTROPHY, CONGENITAL, WITH MITOCHONDRIAL STRUCTURAL ABNORMALITIES; CHKB-Related Muscular Dystrophy; CHKB-Related Muscle Diseases. Identifiers: Orphanet 280671, MedGen C1865233, MONDO:0011246, OMIM 602541.

Allele frequency attached by ClinVar (database versions not stated): TOPMed below 0.00001; gnomAD 0.00001; gnomAD exomes 0.00001.
gnomAD v4.1: 17 of 1,613,946 alleles (0.0011%); highest among the groups gnomAD compares: Non-Finnish European, 0.0013%; no homozygotes.

Submission:

Labcorp Genetics (formerly Invitae), Labcorp
Classification: Uncertain significance for Megaconial type congenital muscular dystrophy. Last evaluated: 2020-09-15. Review status: criteria provided, single submitter. Criteria: Invitae Variant Classification Sherloc (09022015). Collection method: clinical testing. Allele origin: germline.
Comment: This sequence change replaces glutamic acid with glycine at codon 214 of the CHKB protein (p.Glu214Gly). The glutamic acid residue is moderately conserved and there is a moderate physicochemical difference between glutamic acid and glycine. In summary, the available evidence is currently insufficient to determine the role of this variant in disease. Therefore, it has been classified as a Variant of Uncertain Significance. Algorithms developed to predict the effect of missense changes on protein structure and function (SIFT, PolyPhen-2, Align-GVGD) all suggest that this variant is likely to be tolerated, but these predictions have not been confirmed by published functional studies and their clinical significance is uncertain. This variant has not been reported in the literature in individuals with CHKB-related conditions. This variant is not present in population databases (ExAC no frequency).